The following is an entry in ClinVar:

ClinVar aggregate classification (germline): Uncertain significance (1 of 4 stars; one submission).

Conditions:
Tumor predisposition syndrome 3 (TPDS3). Also called: Melanoma, cutaneous malignant, susceptibility to, 10; Glioma susceptibility 9; LONG TELOMERE SYNDROME, POT1-RELATED; POT1 Tumor Predisposition. Identifiers: Orphanet 618, MedGen C4014476, MONDO:0014368, OMIM 615848.

Submission:

Labcorp Genetics (formerly Invitae), Labcorp
Classification: Uncertain significance for Tumor predisposition syndrome 3. Last evaluated: 2025-02-04. Review status: criteria provided, single submitter. Criteria: Invitae Variant Classification Sherloc (09022015). Collection method: clinical testing. Allele origin: germline.
Comment: This sequence change replaces glutamine, which is neutral and polar, with arginine, which is basic and polar, at codon 414 of the POT1 protein (p.Gln414Arg). This variant is not present in population databases (gnomAD no frequency). This variant has not been reported in the literature in individuals affected with POT1-related conditions. Invitae Evidence Modeling of protein sequence and biophysical properties (such as structural, functional, and spatial information, amino acid conservation, physicochemical variation, residue mobility, and thermodynamic stability) indicates that this missense variant is not expected to disrupt POT1 protein function with a negative predictive value of 80%. In summary, the available evidence is currently insufficient to determine the role of this variant in disease. Therefore, it has been classified as a Variant of Uncertain Significance.

NM_015450.3(POT1):c.1241A>G (p.Gln414Arg)

Gene: POT1 (protection of telomeres 1; minus strand). Cytogenetic location: 7q31.33.
Variant type: single nucleotide variant.
Coding change: c.1241A>G on transcript NM_015450.3 (MANE Select); coding-DNA position 1241, A replaced by G.
Protein change: p.Gln414Arg; replaces glutamine 414 with arginine.
Molecular consequence: missense variant. On other transcripts: non-coding transcript variant (3).
Genome position (GRCh38, 1-based): chr7:124,841,101, T>C on the plus strand (A>G on the coding strand, the complement: POT1 is on the minus strand). VCF-style: chr7-124841101-T-C. GRCh37 (hg19) VCF-style: chr7-124481155-T-C.
Other names: c.848A>G, p.Gln283Arg (NM_001042594.2); short protein forms Q283R, Q414R.
Identifiers: ClinVar variation 4741100 (VCV004741100.1).
Genomic context (GRCh38, chr7:124,841,101, plus strand): 5'-ACTTTTCGTCCTTTTTGATTTTTAGTGGTCCAGATTTTTGAATCATATAATGATGTATTT[T>C]GTAGCTTGACATCTGGGGTTTTAGTTGCACCATCCTGAAAAATTATATCCAAATCGCCCT-3'
Protein context (NP_056265.2, residues 404-424): GATKTPDVKL[Gln414Arg]NTSLYDSKIW